The following is an entry in ClinVar:

ClinVar aggregate classification (germline): Pathogenic (1 of 4 stars; one submission).

gnomAD v4.1: 1 of 1,613,088 alleles (0.000062%); highest among the groups gnomAD compares: Non-Finnish European, 0.000085%; no homozygotes.

Submission:

GeneDx
Classification: Pathogenic. Last evaluated: 2021-02-17. Review status: criteria provided, single submitter. Criteria: GeneDx Variant Classification Process June 2021. Collection method: clinical testing. Allele origin: germline. Affected: yes.
Comment: Canonical splice site variant predicted to result in a null allele in a gene for which loss-of-function is a known mechanism of disease; Not observed in large population cohorts (Lek et al., 2016); Has not been previously published as pathogenic or benign to our knowledge

NM_004211.5(SLC6A5):c.679+1G>T

Gene: SLC6A5 (solute carrier family 6 member 5; plus strand). Cytogenetic location: 11p15.1.
Variant type: single nucleotide variant.
Coding change: c.679+1G>T on transcript NM_004211.5 (MANE Select); the canonical splice donor site of the intron after coding-DNA position 679, G replaced by T.
Molecular consequence: splice donor variant. On other transcripts: intron variant (1).
Genome position (GRCh38, 1-based): chr11:20,604,425, G>T. VCF-style: chr11-20604425-G-T. GRCh37 (hg19) VCF-style: chr11-20625971-G-T.
Other names: c.-23-2582G>T (NM_001318369.2).
Identifiers: ClinVar variation 1207401 (VCV001207401.3), dbSNP rs1590154255, ClinGen allele CA379913097.